The following is an entry in ClinVar:

NM_201384.3(PLEC):c.11387C>T (p.Ala3796Val)

Gene: PLEC (plectin; minus strand). Cytogenetic location: 8q24.3.
Variant type: single nucleotide variant.
Coding change: c.11387C>T on transcript NM_201384.3 (MANE Select); coding-DNA position 11387, C replaced by T.
Protein change: p.Ala3796Val; replaces alanine 3796 with valine.
Molecular consequence: missense variant.
Genome position (GRCh38, 1-based): chr8:143,918,434, G>A on the plus strand (C>T on the coding strand, the complement: PLEC is on the minus strand). VCF-style: chr8-143918434-G-A. GRCh37 (hg19) VCF-style: chr8-144992602-G-A.
Other names: c.11468C>T, p.Ala3823Val (NM_000445.5); c.8087C>T, p.Ala2696Val (NM_001410941.1); c.11345C>T, p.Ala3782Val (NM_201378.4); c.11321C>T, p.Ala3774Val (NM_201379.3); c.11798C>T, p.Ala3933Val (NM_201380.4); c.11291C>T, p.Ala3764Val (NM_201381.3); c.11387C>T, p.Ala3796Val (NM_201382.4); c.11399C>T, p.Ala3800Val (NM_201383.3); short protein forms A3933V, A3764V, A2696V, A3800V, A3774V, A3782V, A3796V, A3823V.
Identifiers: ClinVar variation 2944668 (VCV002944668.3), dbSNP rs886044776, ClinGen allele CA372491038.

ClinVar aggregate classification (germline): Uncertain significance (1 of 4 stars; one submission).

Conditions:
Epidermolysis bullosa simplex with nail dystrophy (EBS5D). Identifiers: MedGen C4225309, MONDO:0014661, OMIM 616487.
Epidermolysis bullosa simplex, Ogna type (EBS5A). Also called: Pidermolysis bullosa simplex 5A, Ogna type; EPIDERMOLYSIS BULLOSA SIMPLEX 5A, OGNA TYPE. Identifiers: Orphanet 79401, MedGen C0432317, MONDO:0007555, OMIM 131950.
Autosomal recessive limb-girdle muscular dystrophy type 2Q (LGMDR17). Also called: MUSCULAR DYSTROPHY, LIMB-GIRDLE, AUTOSOMAL RECESSIVE 17. Identifiers: Orphanet 254361, MedGen C3150989, MONDO:0013390, OMIM 613723.
Epidermolysis bullosa simplex 5B, with muscular dystrophy (EBS5B). Also called: EPIDERMOLYSIS BULLOSA SIMPLEX AND LIMB-GIRDLE MUSCULAR DYSTROPHY; Epidermolysis bullosa simplex with muscular dystrophy. Identifiers: Orphanet 257, MedGen C2931072, MONDO:0009181, OMIM 226670.
Epidermolysis bullosa simplex 5C, with pyloric atresia (EBS5C). Also called: PLEC-Related Epidermolysis Bullosa with Pyloric Atresia; Epidermolysis bullosa simplex with pyloric atresia; PLEC1-Related Epidermolysis Bullosa with Pyloric Atresia. Identifiers: Orphanet 158684, MedGen C2677349, MONDO:0012807, OMIM 612138.

Submission:

Labcorp Genetics (formerly Invitae), Labcorp
Classification: Uncertain significance for Autosomal recessive limb-girdle muscular dystrophy type 2Q; Epidermolysis bullosa simplex, Ogna type; Epidermolysis bullosa simplex with nail dystrophy; Epidermolysis bullosa simplex 5C, with pyloric atresia; Epidermolysis bullosa simplex 5B, with muscular dystrophy. Last evaluated: 2023-06-21. Review status: criteria provided, single submitter. Criteria: Invitae Variant Classification Sherloc (09022015). Collection method: clinical testing. Allele origin: germline.
Comment: In summary, the available evidence is currently insufficient to determine the role of this variant in disease. Therefore, it has been classified as a Variant of Uncertain Significance. An algorithm developed to predict the effect of missense changes on protein structure and function (PolyPhen-2) suggests that this variant is likely to be disruptive. This variant has not been reported in the literature in individuals affected with PLEC-related conditions. This variant is not present in population databases (gnomAD no frequency). This sequence change replaces alanine, which is neutral and non-polar, with valine, which is neutral and non-polar, at codon 3823 of the PLEC protein (p.Ala3823Val).